The following is an entry in ClinVar:

NM_201384.3(PLEC):c.4736A>C (p.Gln1579Pro)

Gene: PLEC (plectin; minus strand). Cytogenetic location: 8q24.3.
Variant type: single nucleotide variant.
Coding change: c.4736A>C on transcript NM_201384.3 (MANE Select); coding-DNA position 4736, A replaced by C.
Protein change: p.Gln1579Pro; replaces glutamine 1579 with proline.
Molecular consequence: missense variant.
Genome position (GRCh38, 1-based): chr8:143,925,193, T>G on the plus strand (A>C on the coding strand, the complement: PLEC is on the minus strand). VCF-style: chr8-143925193-T-G. GRCh37 (hg19) VCF-style: chr8-144999361-T-G.
Other names: c.4817A>C, p.Gln1606Pro (NM_000445.5); c.4694A>C, p.Gln1565Pro (NM_201378.4); c.4670A>C, p.Gln1557Pro (NM_201379.3); c.5147A>C, p.Gln1716Pro (NM_201380.4); c.4640A>C, p.Gln1547Pro (NM_201381.3); c.4736A>C, p.Gln1579Pro (NM_201382.4); c.4748A>C, p.Gln1583Pro (NM_201383.3); short protein forms Q1547P, Q1557P, Q1565P, Q1579P, Q1583P, Q1606P, Q1716P.
Identifiers: ClinVar variation 1008934 (VCV001008934.6), dbSNP rs1554701162, ClinGen allele CA372553558.

ClinVar aggregate classification (germline): Uncertain significance. Review status: criteria provided, multiple submitters, no conflicts (2 of 4 stars). 2 submissions from 2 submitters: Uncertain significance (2). Last evaluated 2020-06-03.

Conditions:
Autosomal recessive limb-girdle muscular dystrophy type 2Q (LGMDR17). Also called: MUSCULAR DYSTROPHY, LIMB-GIRDLE, AUTOSOMAL RECESSIVE 17. Identifiers: Orphanet 254361, MedGen C3150989, MONDO:0013390, OMIM 613723.
Epidermolysis bullosa simplex 5B, with muscular dystrophy (EBS5B). Also called: Epidermolysis bullosa simplex with muscular dystrophy; EPIDERMOLYSIS BULLOSA SIMPLEX AND LIMB-GIRDLE MUSCULAR DYSTROPHY. Identifiers: Orphanet 257, MedGen C2931072, MONDO:0009181, OMIM 226670.
Epidermolysis bullosa simplex, Ogna type (EBS5A). Also called: Pidermolysis bullosa simplex 5A, Ogna type; EPIDERMOLYSIS BULLOSA SIMPLEX 5A, OGNA TYPE. Identifiers: Orphanet 79401, MedGen C0432317, MONDO:0007555, OMIM 131950.
Epidermolysis bullosa simplex 5C, with pyloric atresia (EBS5C). Also called: PLEC-Related Epidermolysis Bullosa with Pyloric Atresia; Epidermolysis bullosa simplex with pyloric atresia; PLEC1-Related Epidermolysis Bullosa with Pyloric Atresia. Identifiers: Orphanet 158684, MedGen C2677349, MONDO:0012807, OMIM 612138.
Epidermolysis bullosa simplex with nail dystrophy (EBS5D). Identifiers: MedGen C4225309, MONDO:0014661, OMIM 616487.

Allele frequency attached by ClinVar (database versions not stated): gnomAD exomes below 0.00001 and 0.00001; gnomAD 0.00001; TOPMed 0.00001.
gnomAD v4.1: 3 of 1,583,528 alleles (0.00019%); highest among the groups gnomAD compares: Admixed American, 0.0051%; no homozygotes.

Submissions (2):

Baylor Genetics
Classification: Uncertain significance for Autosomal recessive limb-girdle muscular dystrophy type 2Q. Last evaluated: 2020-06-03. Review status: criteria provided, single submitter. Criteria: ACMG Guidelines, 2015. Collection method: clinical testing. Allele origin: unknown. Affected: yes.
Comment: This variant was determined to be of uncertain significance according to ACMG Guidelines, 2015 [PMID:25741868].

Labcorp Genetics (formerly Invitae), Labcorp
Classification: Uncertain significance for Autosomal recessive limb-girdle muscular dystrophy type 2Q; Epidermolysis bullosa simplex, Ogna type; Epidermolysis bullosa simplex with nail dystrophy; Epidermolysis bullosa simplex 5C, with pyloric atresia; Epidermolysis bullosa simplex 5B, with muscular dystrophy. Last evaluated: 2020-02-20. Review status: criteria provided, single submitter. Criteria: Invitae Variant Classification Sherloc (09022015). Collection method: clinical testing. Allele origin: germline.
Comment: In summary, the available evidence is currently insufficient to determine the role of this variant in disease. Therefore, it has been classified as a Variant of Uncertain Significance. This variant has not been reported in the literature in individuals with PLEC-related conditions. Algorithms developed to predict the effect of missense changes on protein structure and function are either unavailable or do not agree on the potential impact of this missense change (SIFT: "Deleterious"; PolyPhen-2: "Not Available"; Align-GVGD: "Class C25"). This sequence change replaces glutamine with proline at codon 1606 of the PLEC protein (p.Gln1606Pro). The glutamine residue is highly conserved and there is a moderate physicochemical difference between glutamine and proline. This variant is not present in population databases (ExAC no frequency).